The following is an entry in ClinVar:

ClinVar aggregate classification (germline): Benign. Review status: criteria provided, multiple submitters, no conflicts (2 of 4 stars). 3 submissions from 2 submitters: Benign (3). Last evaluated 2018-01-12.

Conditions:
Muscular dystrophy-dystroglycanopathy (congenital with brain and eye anomalies), type A6. Also called: MUSCULAR DYSTROPHY-DYSTROGLYCANOPATHY (CONGENITAL WITH BRAIN AND EYE ANOMALIES), TYPE A, 6; WALKER-WARBURG SYNDROME OR MUSCLE-EYE-BRAIN DISEASE, LARGE-RELATED. Identifiers: Orphanet 588, Orphanet 899, MedGen C3150414, MONDO:0013158, OMIM 613154.
Muscular dystrophy-dystroglycanopathy type B6 (MDDGB6). Also called: MUSCULAR DYSTROPHY, CONGENITAL, LARGE-RELATED; MUSCULAR DYSTROPHY, CONGENITAL, TYPE 1D; MUSCULAR DYSTROPHY-DYSTROGLYCANOPATHY (CONGENITAL WITH IMPAIRED INTELLECTUAL DEVELOPMENT), TYPE B, 6. Identifiers: MedGen C1837229, MONDO:0012138, OMIM 608840.

Allele frequency attached by ClinVar (database versions not stated): 1000 Genomes Project 0.05431; 1000 Genomes Project 30x 0.05700; gnomAD exomes 0.06023; gnomAD 0.07557 and 0.07871; TOPMed 0.07969.
gnomAD v4.1: 26,493 of 398,660 alleles (6.6%); highest among the groups gnomAD compares: African/African-American, 11%; 1,037 homozygotes.

Submissions (3):

Illumina Laboratory Services, Illumina
Classification: Benign for Muscular dystrophy-dystroglycanopathy (congenital with brain and eye anomalies), type A6. Last evaluated: 2018-01-12. Review status: criteria provided, single submitter. Criteria: ICSL Variant Classification Criteria 13 December 2019. Collection method: clinical testing. Allele origin: germline.
Comment: This variant was observed in the ICSL laboratory as part of a predisposition screen in an ostensibly healthy population. It had not been previously curated by ICSL or reported in the Human Gene Mutation Database (HGMD: prior to June 1st, 2018), and was therefore a candidate for classification through an automated scoring system. Utilizing variant allele frequency, disease prevalence and penetrance estimates, and inheritance mode, an automated score was calculated to assess if this variant is too frequent to cause the disease. Based on the score and internal cut-off values, a variant classified as benign is not then subjected to further curation. The score for this variant resulted in a classification of benign for this disease.

Illumina Laboratory Services, Illumina
Classification: Benign for Muscular dystrophy-dystroglycanopathy type B6. Last evaluated: 2018-01-12. Review status: criteria provided, single submitter. Criteria: ICSL Variant Classification Criteria 13 December 2019. Collection method: clinical testing. Allele origin: germline.
Comment: the same text as in the submission from Illumina Laboratory Services, Illumina above.

Breakthrough Genomics
Classification: Benign. Review status: criteria provided, single submitter. Criteria: ACMG Guidelines, 2015. Collection method: not provided. Allele origin: germline. Inheritance: Autosomal recessive inheritance. Affected: yes.

NM_133642.5(LARGE1):c.*921C>G

Gene: LARGE1 (LARGE xylosyl- and glucuronyltransferase 1; minus strand). Cytogenetic location: 22q12.3.
Variant type: single nucleotide variant.
Coding change: c.*921C>G on transcript NM_133642.5 (MANE Select); 921 bases downstream of the stop codon, C replaced by G.
Molecular consequence: 3 prime UTR variant.
Genome position (GRCh38, 1-based): chr22:33,273,506, G>C on the plus strand (C>G on the coding strand, the complement: LARGE1 is on the minus strand). VCF-style: chr22-33273506-G-C. GRCh37 (hg19) VCF-style: chr22-33669492-G-C.
Other names: c.*921C>G (NM_001362949.2, NM_001362951.2, NM_001362953.2 and 9 more transcripts).
Identifiers: ClinVar variation 341414 (VCV000341414.6), dbSNP rs16992034, ClinGen allele CA10653435.